The following is an entry in ClinVar:

ClinVar aggregate classification (germline): Uncertain significance (1 of 4 stars; one submission).

Conditions:
Autosomal dominant limb-girdle muscular dystrophy type 1F (LGMDD2). Also called: Limb-girdle muscular dystrophy, type 1F; MUSCULAR DYSTROPHY, LIMB-GIRDLE, AUTOSOMAL DOMINANT 2. Identifiers: Orphanet 55595, MedGen C1842062, MONDO:0012034, OMIM 608423.

Allele frequency attached by ClinVar (database versions not stated): gnomAD 0.00001.
gnomAD v4.1: 1 of 1,612,932 alleles (0.000062%); highest among the groups gnomAD compares: Admixed American, 0.0017%; no homozygotes.

Submission:

Labcorp Genetics (formerly Invitae), Labcorp
Classification: Uncertain significance for Autosomal dominant limb-girdle muscular dystrophy type 1F. Last evaluated: 2022-02-24. Review status: criteria provided, single submitter. Criteria: Invitae Variant Classification Sherloc (09022015). Collection method: clinical testing. Allele origin: germline.
Comment: In summary, the available evidence is currently insufficient to determine the role of this variant in disease. Therefore, it has been classified as a Variant of Uncertain Significance. Algorithms developed to predict the effect of missense changes on protein structure and function (SIFT, PolyPhen-2, Align-GVGD) all suggest that this variant is likely to be tolerated. This variant has not been reported in the literature in individuals affected with TNPO3-related conditions. This variant is not present in population databases (gnomAD no frequency). This sequence change replaces proline, which is neutral and non-polar, with serine, which is neutral and polar, at codon 600 of the TNPO3 protein (p.Pro600Ser).

NM_012470.4(TNPO3):c.1798C>T (p.Pro600Ser)

Gene: TNPO3 (transportin 3; minus strand). Cytogenetic location: 7q32.1.
Variant type: single nucleotide variant.
Coding change: c.1798C>T on transcript NM_012470.4 (MANE Select); coding-DNA position 1798, C replaced by T.
Protein change: p.Pro600Ser; replaces proline 600 with serine.
Molecular consequence: missense variant. On other transcripts: non-coding transcript variant (16).
Genome position (GRCh38, 1-based): chr7:128,982,309, G>A on the plus strand (C>T on the coding strand, the complement: TNPO3 is on the minus strand). VCF-style: chr7-128982309-G-A. GRCh37 (hg19) VCF-style: chr7-128622363-G-A.
Other names: c.1606C>T, p.Pro536Ser (NM_001191028.3, NM_001382223.1); c.1900C>T, p.Pro634Ser (NM_001382216.1); c.1879C>T, p.Pro627Ser (NM_001382217.1); c.1798C>T, p.Pro600Ser (NM_001382218.1, NM_001382220.1); c.1690C>T, p.Pro564Ser (NM_001382219.1); c.1654C>T, p.Pro552Ser (NM_001382221.1); c.1651C>T, p.Pro551Ser (NM_001382222.1); short protein forms P551S, P564S, P536S, P627S, P552S, P600S, P634S.
Identifiers: ClinVar variation 2102955 (VCV002102955.4), dbSNP rs1799705059, ClinGen allele CA369224168.
Genomic context (GRCh38, chr7:128,982,309, plus strand): 5'-TAAATATCACTGCAAGGCGATCTAAGAACACTGTGGGATCTGAGGATATGCCATTGCTGG[G>A]CTCTTGAGACAACAGCTGAAGAGACAAAAGGACATTAACACCCAATTGTCACATGTACAA-3'
Protein context (NP_036602.1, residues 590-610): MALKKLLSQE[Pro600Ser]SNGISSDPTV